The following is an entry in ClinVar:

NM_005393.3(PLXNB3):c.786C>T (p.Tyr262=)

Gene: PLXNB3 (plexin B3; plus strand). Cytogenetic location: Xq28.
Variant type: single nucleotide variant.
Coding change: c.786C>T on transcript NM_005393.3 (MANE Select); coding-DNA position 786, C replaced by T.
Protein change: p.Tyr262=; no amino-acid change (tyrosine 262 retained).
Molecular consequence: synonymous variant.
Genome position (GRCh38, 1-based): chrX:153,767,613, C>T. VCF-style: chrX-153767613-C-T. GRCh37 (hg19) VCF-style: chrX-153033068-C-T.
Other names: c.855C>T, p.Tyr285= (NM_001163257.2).
Identifiers: ClinVar variation 2661718 (VCV002661718.24), dbSNP rs781948973, ClinGen allele CA10550630.

ClinVar aggregate classification (germline): Likely benign (1 of 4 stars; one submission).

Allele frequency attached by ClinVar (database versions not stated): gnomAD 0.00001; TOPMed 0.00001; ExAC 0.00003.

Submission:

CeGaT Center for Human Genetics Tuebingen
Classification: Likely benign. Last evaluated: 2022-05-01. Review status: criteria provided, single submitter. Criteria: CeGaT Center For Human Genetics Tuebingen Variant Classification Criteria Version 2. Collection method: clinical testing. Allele origin: germline. Affected: yes. Observed: 1 variant allele.
Comment: PLXNB3: BP4, BP7